The following is an entry in ClinVar:

ClinVar aggregate classification (germline): Uncertain significance (1 of 4 stars; one submission).

Conditions:
Hereditary cancer-predisposing syndrome. Also called: Neoplastic Syndromes, Hereditary; Tumor predisposition; Hereditary neoplastic syndrome; Hereditary Cancer Syndrome. Identifiers: Orphanet 140162, MedGen C0027672, MeSH D009386, MONDO:0015356.

Submission:

Ambry Genetics
Classification: Uncertain significance for Hereditary cancer-predisposing syndrome. Last evaluated: 2023-01-18. Review status: criteria provided, single submitter. Criteria: Ambry Variant Classification Scheme 2023. Collection method: clinical testing. Allele origin: germline.
Comment: The p.C165G variant (also known as c.493T>G), located in coding exon 2 of the MEN1 gene, results from a T to G substitution at nucleotide position 493. The cysteine at codon 165 is replaced by glycine, an amino acid with highly dissimilar properties. This amino acid position is conserved. In addition, this alteration is predicted to be deleterious by in silico analysis. Since supporting evidence is limited at this time, the clinical significance of this alteration remains unclear.

NM_001370259.2(MEN1):c.493T>G (p.Cys165Gly)

Gene: MEN1 (menin 1; minus strand). Cytogenetic location: 11q13.1.
Variant type: single nucleotide variant.
Coding change: c.493T>G on transcript NM_001370259.2 (MANE Select); coding-DNA position 493, T replaced by G.
Protein change: p.Cys165Gly; replaces cysteine 165 with glycine.
Molecular consequence: missense variant. On other transcripts: non-coding transcript variant (4).
Genome position (GRCh38, 1-based): chr11:64,808,052, A>C on the plus strand (T>G on the coding strand, the complement: MEN1 is on the minus strand). VCF-style: chr11-64808052-A-C. GRCh37 (hg19) VCF-style: chr11-64575524-A-C.
Other names: c.508T>G, p.Cys170Gly (NM_000244.4, NM_001407145.1, NM_001407150.1 and 5 more transcripts); c.493T>G, p.Cys165Gly (NM_001370251.2, NM_001370260.2, NM_001370261.2 and 12 more transcripts); short protein forms C165G, C170G.
Identifiers: ClinVar variation 2450232 (VCV002450232.2), dbSNP rs2497226943, ClinGen allele CA381186111.